The following is an entry in ClinVar:

NM_001080467.3(MYO5B):c.1968C>T (p.Arg656=)

Gene: MYO5B (myosin VB; minus strand). Cytogenetic location: 18q21.1.
Variant type: single nucleotide variant.
Coding change: c.1968C>T on transcript NM_001080467.3 (MANE Select); coding-DNA position 1968, C replaced by T.
Protein change: p.Arg656=; no amino-acid change (arginine 656 retained).
Molecular consequence: synonymous variant.
Genome position (GRCh38, 1-based): chr18:49,936,287, G>A on the plus strand (C>T on the coding strand, the complement: MYO5B is on the minus strand). VCF-style: chr18-49936287-G-A. GRCh37 (hg19) VCF-style: chr18-47462657-G-A.
Other names: p.Arg656=.
Identifiers: ClinVar variation 327060 (VCV000327060.16), dbSNP rs1627232, ClinGen allele CA8961300.

ClinVar aggregate classification (germline): Benign. Review status: criteria provided, multiple submitters, no conflicts (2 of 4 stars). 5 submissions from 5 submitters: Benign (5). Last evaluated 2026-02-01.

Conditions:
Congenital microvillous atrophy (DIAR2). Also called: DAVIDSON DISEASE; MICROVILLUS ATROPHY, CONGENITAL; Microvillus inclusion disease; Diarrhea 2 with microvillus atrophy, with or without cholestasis; CONGENITAL FAMILIAL PROTRACTED DIARRHEA WITH ENTEROCYTE BRUSH-BORDER ABNORMALITIES. Identifiers: Orphanet 2290, MedGen C0341306, MONDO:0009635, OMIM 251850.

Allele frequency attached by ClinVar (database versions not stated): gnomAD exomes 0.00623 and 0.01171; ExAC 0.02186; ESP Exome Variant Server 0.02261; TOPMed 0.02582; gnomAD 0.02679 and 0.02764; 1000 Genomes Project 30x 0.03295; 1000 Genomes Project 0.03335.
gnomAD v4.1: 13,315 of 1,603,934 alleles (0.83%); highest among the groups gnomAD compares: African/African-American, 7.4%; 396 homozygotes.

Submissions (5):

Labcorp Genetics (formerly Invitae), Labcorp
Classification: Benign. Last evaluated: 2026-02-01. Review status: criteria provided, single submitter. Criteria: Invitae Variant Classification Sherloc (09022015). Collection method: clinical testing. Allele origin: germline.

Mayo Clinic Laboratories, Mayo Clinic
Classification: Benign. Last evaluated: 2024-10-08. Review status: criteria provided, single submitter. Criteria: ACMG Guidelines, 2015. Collection method: clinical testing. Allele origin: germline. Observed: 1 variant allele.

GeneDx
Classification: Benign. Last evaluated: 2021-06-09. Review status: criteria provided, single submitter. Criteria: GeneDx Variant Classification Process June 2021. Collection method: clinical testing. Allele origin: germline. Affected: yes.

Illumina Laboratory Services, Illumina
Classification: Benign for Congenital microvillous atrophy. Last evaluated: 2018-01-12. Review status: criteria provided, single submitter. Criteria: ICSL Variant Classification Criteria 13 December 2019. Collection method: clinical testing. Allele origin: germline.
Comment: This variant was observed in the ICSL laboratory as part of a predisposition screen in an ostensibly healthy population. It had not been previously curated by ICSL or reported in the Human Gene Mutation Database (HGMD: prior to June 1st, 2018), and was therefore a candidate for classification through an automated scoring system. Utilizing variant allele frequency, disease prevalence and penetrance estimates, and inheritance mode, an automated score was calculated to assess if this variant is too frequent to cause the disease. Based on the score and internal cut-off values, a variant classified as benign is not then subjected to further curation. The score for this variant resulted in a classification of benign for this disease.

Breakthrough Genomics
Classification: Benign. Review status: criteria provided, single submitter. Criteria: ACMG Guidelines, 2015. Collection method: not provided. Allele origin: germline. Inheritance: Autosomal recessive inheritance. Affected: yes.